The following is an entry in ClinVar:

NM_004453.4(ETFDH):c.35-1008T>G

Gene: ETFDH (electron transfer flavoprotein dehydrogenase; plus strand). Cytogenetic location: 4q32.1.
Variant type: single nucleotide variant.
Coding change: c.35-1008T>G on transcript NM_004453.4 (MANE Select); 1008 bases into the intron before coding-DNA position 35, T replaced by G.
Molecular consequence: intron variant.
Genome position (GRCh38, 1-based): chr4:158,679,459, T>G. VCF-style: chr4-158679459-T-G. GRCh37 (hg19) VCF-style: chr4-159600611-T-G.
Other names: c.35-2736T>G (NM_001281737.2).
Identifiers: ClinVar variation 4815350 (VCV004815350.1).
Genomic context (GRCh38, chr4:158,679,459, plus strand): 5'-TCATCCAGCTAGAAAGATTAACCCCAGTGGAGAAGAATATAGTCTGTTTCACTATATTCA[T>G]TGAGTACAATCAACGGGAGAAAAGACATCTCTTCTGCTATAAACTGAGATAATGAACAAA-3'

ClinVar aggregate classification (germline): Likely pathogenic (1 of 4 stars; one submission).

Conditions:
Glutaric acidemia type 2C.

Submission:

Natera, Inc.
Classification: Likely pathogenic for Glutaric acidemia type 2C. Last evaluated: 2025-07-25. Review status: criteria provided, single submitter. Criteria: Natera Variant Classification Schema (03/2026). Collection method: clinical testing. Allele origin: germline.
Comment: The c.35-1008T>G variant in ETFDH is an intronic variant located outside the canonical splice sites. This variant is rare in the general population with a frequency below the threshold expected for the associated phenotype(s). This variant has been observed in one or more individuals affected with the associated recessive disease, as either homozygous or compound heterozygous with a second variant (PMID: 34064479). Functional studies show that this variant may disrupt protein function (PMID: 34064479). Multiple computational prediction algorithms suggest this variant is unlikely to affect gene or protein function. Given the available evidence, this variant is classified as Likely Pathogenic.

Literature cited by the submitters: PubMed 34064479.